The following is an entry in ClinVar:

NM_001844.5(COL2A1):c.2312G>C (p.Gly771Ala)

Gene: COL2A1 (collagen type II alpha 1 chain; minus strand). Cytogenetic location: 12q13.11.
Variant type: single nucleotide variant.
Coding change: c.2312G>C on transcript NM_001844.5 (MANE Select); coding-DNA position 2312, G replaced by C.
Protein change: p.Gly771Ala; replaces glycine 771 with alanine.
Molecular consequence: missense variant.
Genome position (GRCh38, 1-based): chr12:47,982,150, C>G on the plus strand (G>C on the coding strand, the complement: COL2A1 is on the minus strand). VCF-style: chr12-47982150-C-G. GRCh37 (hg19) VCF-style: chr12-48375933-C-G.
Other names: c.2105G>C, p.Gly702Ala (NM_033150.3); short protein forms G771A, G702A.
Identifiers: ClinVar variation 2137333 (VCV002137333.4), dbSNP rs2540132104, ClinGen allele CA384545771.
Genomic context (GRCh38, chr12:47,982,150, plus strand): 5'-AGCCCGCATTCACTTACTCGTCCACCATCCTTTCCAGGGGCTCCCTCAGGGCCTTTCTCA[C>G]CAACGTCACCCTGAGGGAAGAGAAAACCAGCCGCCTCAGCCAGGCACCCCAGGACCCCCA-3'
Protein context (NP_001835.3, residues 761-781): AGPKGDRGDV[Gly771Ala]EKGPEGAPGK

ClinVar aggregate classification (germline): Pathogenic (1 of 4 stars; one submission).

Submission:

Labcorp Genetics (formerly Invitae), Labcorp
Classification: Pathogenic. Last evaluated: 2022-08-02. Review status: criteria provided, single submitter. Criteria: Invitae Variant Classification Sherloc (09022015). Collection method: clinical testing. Allele origin: germline.
Comment: This sequence change replaces glycine, which is neutral and non-polar, with alanine, which is neutral and non-polar, at codon 771 of the COL2A1 protein (p.Gly771Ala). This variant is not present in population databases (gnomAD no frequency). This missense change has been observed in individuals with clinical features of autosomal dominant spondyloepiphyseal dysplasia congenita (PMID: 10745044). This variant is also known as p.Gly571Ala. Advanced modeling of protein sequence and biophysical properties (such as structural, functional, and spatial information, amino acid conservation, physicochemical variation, residue mobility, and thermodynamic stability) performed at Invitae indicates that this missense variant is expected to disrupt COL2A1 protein function. This variant disrupts the triple helix domain of COL2A1. Glycine residues within the Gly-Xaa-Yaa repeats of the triple helix domain are required for the structure and stability of fibrillar collagens (PMID: 7695699, 8218237, 19344236). In COL2A1, variants affecting these glycine residues are significantly enriched in individuals with disease (PMID: 9016532, 17078022) compared to the general population (ExAC). For these reasons, this variant has been classified as Pathogenic.

Literature cited by the submitters: PubMed 10745044; PubMed 7695699; PubMed 8218237; PubMed 19344236; PubMed 9016532; PubMed 17078022.